The following is an entry in ClinVar:

ClinVar aggregate classification (germline): Conflicting classifications of pathogenicity. Review status: criteria provided, conflicting classifications (1 of 4 stars). 13 submissions from 13 submitters: Uncertain significance (1); Benign (8); Likely benign (1). 3 of the submissions do not count toward it. Last evaluated 2026-02-04.

Conditions:
Cardiovascular phenotype. Identifiers: MedGen CN230736.
Alstrom syndrome (ALMS). Identifiers: Orphanet 64, MedGen C0268425, MONDO:0008763, OMIM 203800.
Monogenic diabetes. Identifiers: Orphanet 183625, MedGen C3888631, MONDO:0015967.

Allele frequency attached by ClinVar (database versions not stated): ExAC 0.00519; ESP Exome Variant Server 0.01641; gnomAD 0.01643 and 0.01772; TOPMed 0.01830; 1000 Genomes Project 0.01837; 1000 Genomes Project 30x 0.02077.
gnomAD v4.1: 5,070 of 1,614,060 alleles (0.31%); highest among the groups gnomAD compares: African/African-American, 5.7%; 122 homozygotes.

Submissions (13):

Labcorp Genetics (formerly Invitae), Labcorp
Classification: Benign for Alstrom syndrome. Last evaluated: 2026-02-04. Review status: criteria provided, single submitter. Criteria: Invitae Variant Classification Sherloc (09022015). Collection method: clinical testing. Allele origin: germline.

ARUP Laboratories, Molecular Genetics and Genomics, ARUP Laboratories
Classification: Benign for Alstrom syndrome. Last evaluated: 2025-06-25. Review status: criteria provided, single submitter. Criteria: ARUP Molecular Germline Variant Investigation Process 2024. Collection method: clinical testing. Allele origin: germline.

Blueprint Genetics
Classification: Likely benign. Last evaluated: 2024-11-13. Review status: criteria provided, single submitter. Criteria: ACMG Guidelines, 2015. Collection method: clinical testing. Allele origin: germline.

Personalized Diabetes Medicine Program, University of Maryland School of Medicine
Classification: Benign for Monogenic diabetes. Last evaluated: 2019-02-15. Review status: criteria provided, single submitter. Criteria: ACMG Guidelines, 2015. Collection method: research. Allele origin: unknown. Observed: 13 variant alleles, 13 heterozygotes.
Comment: ACMG criteria: BA1 (6% in Africans in gnomAD), BS2 (41 homozygotes in gnomAD), BP1 (missense in gene with truncating cause disease)= benign; REVEL 0.068 + PP3/5 predictors + BP4/4 predictors

Ambry Genetics
Classification: Benign for Cardiovascular phenotype. Last evaluated: 2018-12-24. Review status: criteria provided, single submitter. Criteria: Ambry Variant Classification Scheme 2023. Collection method: clinical testing. Allele origin: germline.

Athena Diagnostics
Classification: Benign. Last evaluated: 2018-05-23. Review status: criteria provided, single submitter. Criteria: Athena Diagnostics Criteria. Collection method: clinical testing. Allele origin: germline.

GeneDx
Classification: Benign. Last evaluated: 2016-10-10. Review status: criteria provided, single submitter. Criteria: GeneDx Variant Classification (06012015). Collection method: clinical testing. Allele origin: germline. Affected: yes.
Comment: This variant is considered likely benign or benign based on one or more of the following criteria: it is a conservative change, it occurs at a poorly conserved position in the protein, it is predicted to be benign by multiple in silico algorithms, and/or has population frequency not consistent with disease.

Laboratory for Molecular Medicine, Mass General Brigham Personalized Medicine
Classification: Benign. Last evaluated: 2016-03-21. Review status: criteria provided, single submitter. Criteria: LMM Criteria. Collection method: clinical testing. Allele origin: germline. Observed: 1 variant allele.
Comment: p.Lys3434Glu in exon 15 of ALMS1: This variant is not expected to have clinical significance because it has been identified in 5.77% (565/9788) of African chrom osomes by the Exome Aggregation Consortium (ExAC ; dbSNP rs34071195).

Breakthrough Genomics
Classification: Benign. Review status: criteria provided, single submitter. Criteria: ACMG Guidelines, 2015. Collection method: not provided. Allele origin: germline. Inheritance: Autosomal recessive inheritance. Affected: yes.

Clinical Genomics, Uppaluri K&H Personalized Medicine Clinic
Classification: Uncertain significance for Alstrom syndrome. Review status: criteria provided, single submitter. Criteria: K & H Uppaluri Personalized Medicine Clinic Variant Classification & Assertion Criteria_Updated V.1. Collection method: research. Allele origin: unknown. Inheritance: Autosomal recessive inheritance.
Comment: Potent mutations in ALMS1 are associated with a rare condition called Alstrom syndrome. It can cause excessive eating, insulin resistance. However, no evidence is found to ascertain the role of rs34071195 in Alstrom syndrome yet.

Natera, Inc.
Classification: Benign for Alstrom syndrome. Last evaluated: 2020-09-16. Review status: no assertion criteria provided. Collection method: clinical testing. Allele origin: germline. Not counted in ClinVar's aggregate classification.

Genome Diagnostics Laboratory, University Medical Center Utrecht
Classification: Likely benign. Review status: no assertion criteria provided. Collection method: clinical testing. Allele origin: germline. Affected: yes. Study: VKGL Data-share Consensus. Not counted in ClinVar's aggregate classification.

Laboratory of Diagnostic Genome Analysis, Leiden University Medical Center (LUMC)
Classification: Likely benign. Review status: no assertion criteria provided. Collection method: clinical testing. Allele origin: germline. Affected: yes. Study: VKGL Data-share Consensus. Not counted in ClinVar's aggregate classification.

Literature cited by the submitters: PubMed 34148947 (cited by Clinical Genomics, Uppaluri K&H Personalized Medicine Clinic); PubMed 25846608 (cited by Clinical Genomics, Uppaluri K&H Personalized Medicine Clinic); PubMed 30421101 (cited by Clinical Genomics, Uppaluri K&H Personalized Medicine Clinic); PubMed 33669459 (cited by Clinical Genomics, Uppaluri K&H Personalized Medicine Clinic).

NM_001378454.1(ALMS1):c.10303A>G (p.Lys3435Glu)

Gene: ALMS1 (ALMS1 centrosome and basal body associated protein; plus strand). Cytogenetic location: 2p13.1.
Variant type: single nucleotide variant.
Coding change: c.10303A>G on transcript NM_001378454.1 (MANE Select); coding-DNA position 10303, A replaced by G.
Protein change: p.Lys3435Glu; replaces lysine 3435 with glutamic acid.
Molecular consequence: missense variant.
Genome position (GRCh38, 1-based): chr2:73,559,061, A>G. VCF-style: chr2-73559061-A-G. GRCh37 (hg19) VCF-style: chr2-73786188-A-G.
Other names: c.10306A>G, p.Lys3436Glu (NM_015120.4); short protein forms K3436E, K3435E.
Identifiers: ClinVar variation 221012 (VCV000221012.29), dbSNP rs34071195, ClinGen allele CA349410.